The following is an entry in ClinVar:

NM_000051.4(ATM):c.4720T>G (p.Leu1574Val)

Gene: ATM (ATM serine/threonine kinase; plus strand). Cytogenetic location: 11q22.3.
Variant type: single nucleotide variant.
Coding change: c.4720T>G on transcript NM_000051.4 (MANE Select); coding-DNA position 4720, T replaced by G.
Protein change: p.Leu1574Val; replaces leucine 1574 with valine.
Molecular consequence: missense variant.
Genome position (GRCh38, 1-based): chr11:108,293,421, T>G. VCF-style: chr11-108293421-T-G. GRCh37 (hg19) VCF-style: chr11-108164148-T-G.
Other names: c.4720T>G, p.Leu1574Val (NM_001351834.2); short protein forms L1574V.
Identifiers: ClinVar variation 2752463 (VCV002752463.3), dbSNP rs2546931637, ClinGen allele CA382534954.

ClinVar aggregate classification (germline): Uncertain significance (1 of 4 stars; one submission).

Conditions:
Ataxia-telangiectasia syndrome (AT). Also called: LOUIS-BAR SYNDROME; AT, COMPLEMENTATION GROUP C; ATAXIA-TELANGIECTASIA, COMPLEMENTATION GROUP A; ATAXIA-TELANGIECTASIA, FRESNO VARIANT; Ataxia-telangiectasia; Cerebello-oculocutaneous telangiectasia. Identifiers: Orphanet 100, MedGen C0004135, MONDO:0008840, OMIM 208900.

Submission:

Labcorp Genetics (formerly Invitae), Labcorp
Classification: Uncertain significance for Ataxia-telangiectasia syndrome. Last evaluated: 2023-08-14. Review status: criteria provided, single submitter. Criteria: Invitae Variant Classification Sherloc (09022015). Collection method: clinical testing. Allele origin: germline.
Comment: An algorithm developed to predict the effect of missense changes on protein structure and function (PolyPhen-2) suggests that this variant is likely to be tolerated. In summary, the available evidence is currently insufficient to determine the role of this variant in disease. Therefore, it has been classified as a Variant of Uncertain Significance. This variant has not been reported in the literature in individuals affected with ATM-related conditions. This sequence change replaces leucine, which is neutral and non-polar, with valine, which is neutral and non-polar, at codon 1574 of the ATM protein (p.Leu1574Val). This variant is not present in population databases (gnomAD no frequency).